The following is an entry in ClinVar:

ClinVar aggregate classification (germline): Uncertain significance (1 of 4 stars; one submission).

gnomAD v4.1: 47 of 1,581,990 alleles (0.003%); highest among the groups gnomAD compares: Admixed American, 0.0054%; no homozygotes.

Submission:

Labcorp Genetics (formerly Invitae), Labcorp
Classification: Uncertain significance. Last evaluated: 2022-04-09. Review status: criteria provided, single submitter. Criteria: Invitae Variant Classification Sherloc (09022015). Collection method: clinical testing. Allele origin: germline.
Comment: In summary, the available evidence is currently insufficient to determine the role of this variant in disease. Therefore, it has been classified as a Variant of Uncertain Significance. Variants that disrupt the consensus splice site are a relatively common cause of aberrant splicing (PMID: 17576681, 9536098). Algorithms developed to predict the effect of sequence changes on RNA splicing suggest that this variant is not likely to affect RNA splicing. This variant has not been reported in the literature in individuals affected with MPDZ-related conditions. This variant is present in population databases (rs371434505, gnomAD 0.01%). This sequence change falls in intron 41 of the MPDZ gene. It does not directly change the encoded amino acid sequence of the MPDZ protein. It affects a nucleotide within the consensus splice site.

Literature cited by the submitters: PubMed 17576681; PubMed 9536098.

NM_001378778.1(MPDZ):c.5601+6T>G

Gene: MPDZ (multiple PDZ domain crumbs cell polarity complex component; minus strand). Cytogenetic location: 9p23.
Variant type: single nucleotide variant.
Coding change: c.5601+6T>G on transcript NM_001378778.1 (MANE Select); 6 bases into the intron after coding-DNA position 5601, T replaced by G.
Molecular consequence: intron variant.
Genome position (GRCh38, 1-based): chr9:13,113,005, A>C on the plus strand (T>G on the coding strand, the complement: MPDZ is on the minus strand). VCF-style: chr9-13113005-A-C. GRCh37 (hg19) VCF-style: chr9-13113004-A-C.
Other names: c.5304+6T>G (NM_001375425.1, NM_001375426.1); c.5391+6T>G (NM_001375420.1, NM_001375423.1, NM_001375424.1 and 2 more transcripts); c.5415+6T>G (NM_001375419.1, NM_001261407.2); c.5502+6T>G (NM_001375416.1, NM_001375418.1, NM_001261406.2 and 1 more transcripts); c.5601+6T>G (NM_001330637.2); c.5193+6T>G (NM_001375427.1); c.5514+6T>G (NM_003829.5); c.5700+6T>G (NM_001375413.1).
Identifiers: ClinVar variation 1436763 (VCV001436763.6), dbSNP rs371434505, ClinGen allele CA4986195.